The following is an entry in ClinVar:

ClinVar aggregate classification (germline): Uncertain significance (1 of 4 stars; one submission).

Conditions:
Hereditary diffuse gastric adenocarcinoma (HDGC). Also called: DIFFUSE GASTRIC AND LOBULAR BREAST CANCER SYNDROME. Identifiers: Orphanet 26106, MedGen C1708349, MONDO:0007648, OMIM 137215.

Submission:

Labcorp Genetics (formerly Invitae), Labcorp
Classification: Uncertain significance for Hereditary diffuse gastric adenocarcinoma. Last evaluated: 2023-05-15. Review status: criteria provided, single submitter. Criteria: Invitae Variant Classification Sherloc (09022015). Collection method: clinical testing. Allele origin: germline.
Comment: Algorithms developed to predict the effect of sequence changes on RNA splicing suggest that this variant may disrupt the consensus splice site. In summary, the available evidence is currently insufficient to determine the role of this variant in disease. Therefore, it has been classified as a Variant of Uncertain Significance. This sequence change falls in intron 1 of the CDH1 gene. It does not directly change the encoded amino acid sequence of the CDH1 protein. This variant is not present in population databases (gnomAD no frequency). This variant has not been reported in the literature in individuals affected with CDH1-related conditions. ClinVar contains an entry for this variant (Variation ID: 2012930).

NM_004360.5(CDH1):c.49-6C>G

Gene: CDH1 (cadherin 1; plus strand). Cytogenetic location: 16q22.1.
Variant type: single nucleotide variant.
Coding change: c.49-6C>G on transcript NM_004360.5 (MANE Select); 6 bases into the intron before coding-DNA position 49, C replaced by G.
Molecular consequence: intron variant.
Genome position (GRCh38, 1-based): chr16:68,738,291, C>G. VCF-style: chr16-68738291-C-G. GRCh37 (hg19) VCF-style: chr16-68772194-C-G.
Other names: c.-1567-6C>G (NM_001317185.2); c.-1771-6C>G (NM_001317186.2); c.49-6C>G (NM_001317184.2).
Identifiers: ClinVar variation 2012930 (VCV002012930.4), dbSNP rs1353157721, ClinGen allele CA2580091852.